The following is an entry in ClinVar:

NM_000179.3(MSH6):c.2060G>C (p.Cys687Ser)

Gene: MSH6 (mutS homolog 6; plus strand). Cytogenetic location: 2p16.3.
Variant type: single nucleotide variant.
Coding change: c.2060G>C on transcript NM_000179.3 (MANE Select); coding-DNA position 2060, G replaced by C.
Protein change: p.Cys687Ser; replaces cysteine 687 with serine.
Molecular consequence: missense variant.
Genome position (GRCh38, 1-based): chr2:47,800,043, G>C. VCF-style: chr2-47800043-G-C. GRCh37 (hg19) VCF-style: chr2-48027182-G-C.
Other names: c.1670G>C, p.Cys557Ser (NM_001281492.2); c.1154G>C, p.Cys385Ser (NM_001281493.2, NM_001281494.2); short protein forms C687S, C385S, C557S.
Identifiers: ClinVar variation 455175 (VCV000455175.16), dbSNP rs1553413433, ClinGen allele CA346750775.

ClinVar aggregate classification (germline): Uncertain significance. Review status: criteria provided, multiple submitters, no conflicts (2 of 4 stars). 5 submissions from 5 submitters: Uncertain significance (5). Last evaluated 2025-10-01.

Conditions:
Hereditary nonpolyposis colorectal neoplasms. Identifiers: MedGen C0009405, MeSH D003123.
Hereditary cancer-predisposing syndrome. Also called: Hereditary Cancer Syndrome; Hereditary neoplastic syndrome; Neoplastic Syndromes, Hereditary; Tumor predisposition. Identifiers: Orphanet 140162, MedGen C0027672, MeSH D009386, MONDO:0015356.
Lynch syndrome. Identifiers: Orphanet 144, MedGen C4552100, MONDO:0005835. Disease mechanism: loss of function.

Submissions (5):

Ambry Genetics
Classification: Uncertain significance for Hereditary cancer-predisposing syndrome. Last evaluated: 2025-10-01. Review status: criteria provided, single submitter. Criteria: Ambry Variant Classification Scheme 2023. Collection method: clinical testing. Allele origin: germline.
Comment: The p.C687S variant (also known as c.2060G>C), located in coding exon 4 of the MSH6 gene, results from a G to C substitution at nucleotide position 2060. The cysteine at codon 687 is replaced by serine, an amino acid with dissimilar properties. This amino acid position is conserved. In addition, this alteration is predicted to be deleterious by in silico analysis. Based on the available evidence, the clinical significance of this variant remains unclear.

Color Diagnostics, LLC DBA Color Health
Classification: Uncertain significance for Hereditary cancer-predisposing syndrome. Last evaluated: 2023-12-05. Review status: criteria provided, single submitter. Criteria: ACMG Guidelines, 2015. Collection method: clinical testing. Allele origin: germline.
Comment: This missense variant replaces cysteine with serine at codon 687 of the MSH6 protein. Computational prediction is inconclusive regarding the impact of this variant on protein structure and function (internally defined REVEL score threshold 0.5 < inconclusive < 0.7, PMID: 27666373). To our knowledge, functional studies have not been reported for this variant. This variant has not been reported in individuals affected with MSH6-related disorders in the literature. This variant has not been identified in the general population by the Genome Aggregation Database (gnomAD). The available evidence is insufficient to determine the role of this variant in disease conclusively. Therefore, this variant is classified as a Variant of Uncertain Significance.

GeneDx
Classification: Uncertain significance. Last evaluated: 2023-10-16. Review status: criteria provided, single submitter. Criteria: GeneDx Variant Classification Process June 2021. Collection method: clinical testing. Allele origin: germline. Affected: yes.
Comment: Not observed at significant frequency in large population cohorts (gnomAD); In silico analysis supports that this missense variant has a deleterious effect on protein structure/function; Has not been previously published as pathogenic or benign to our knowledge; This variant is associated with the following publications: (PMID: 17531815, 21120944)

All of Us Research Program, National Institutes of Health
Classification: Uncertain significance for Lynch syndrome. Last evaluated: 2023-08-15. Review status: criteria provided, single submitter. Criteria: ACMG Guidelines, 2015. Collection method: clinical testing. Allele origin: germline. Inheritance: Autosomal dominant inheritance. Observed: 1 variant allele, 1 heterozygote.
Comment: This study involves interpretation of variants in research participants for the purpose of population health screening. Participant phenotype was not available at the time of variant classification. Additional details can be found in publication PMID: 35346344, PMCID: PMC8962531

Labcorp Genetics (formerly Invitae), Labcorp
Classification: Uncertain significance for Hereditary nonpolyposis colorectal neoplasms. Last evaluated: 2022-02-19. Review status: criteria provided, single submitter. Criteria: Invitae Variant Classification Sherloc (09022015). Collection method: clinical testing. Allele origin: germline.
Comment: This sequence change replaces cysteine, which is neutral and slightly polar, with serine, which is neutral and polar, at codon 687 of the MSH6 protein (p.Cys687Ser). This variant is not present in population databases (gnomAD no frequency). This variant has not been reported in the literature in individuals affected with MSH6-related conditions. ClinVar contains an entry for this variant (Variation ID: 455175). Advanced modeling of protein sequence and biophysical properties (such as structural, functional, and spatial information, amino acid conservation, physicochemical variation, residue mobility, and thermodynamic stability) performed at Invitae indicates that this missense variant is not expected to disrupt MSH6 protein function. In summary, the available evidence is currently insufficient to determine the role of this variant in disease. Therefore, it has been classified as a Variant of Uncertain Significance.